The following is an entry in ClinVar:

ClinVar aggregate classification (germline): Conflicting classifications of pathogenicity. Review status: criteria provided, conflicting classifications (1 of 4 stars). 3 submissions from 3 submitters: Uncertain significance (1); Likely benign (2). Last evaluated 2026-01-24.

Conditions:
Idiopathic generalized epilepsy. Also called: Generalised epilepsy; EIG. Identifiers: MedGen C0270850, MONDO:0005579, OMIM 600669.
Hyperaldosteronism, familial, type IV (HALD4). Also called: FH IV; ALDOSTERONISM, PRIMARY, AND HYPERTENSION. Identifiers: Orphanet 642671, MedGen C4310756, MONDO:0014875, OMIM 617027.

Allele frequency attached by ClinVar (database versions not stated): 1000 Genomes Project 0.00020; gnomAD exomes 0.00022; gnomAD 0.00010 and 0.00011; ExAC 0.00013; TOPMed 0.00014; 1000 Genomes Project 30x 0.00016; ESP Exome Variant Server 0.00016.

Submissions (3):

Labcorp Genetics (formerly Invitae), Labcorp
Classification: Likely benign for Idiopathic generalized epilepsy; Hyperaldosteronism, familial, type IV. Last evaluated: 2026-01-24. Review status: criteria provided, single submitter. Criteria: Invitae Variant Classification Sherloc (09022015). Collection method: clinical testing. Allele origin: germline.

Blueprint Genetics
Classification: Likely benign. Last evaluated: 2024-08-05. Review status: criteria provided, single submitter. Criteria: ACMG Guidelines, 2015. Collection method: clinical testing. Allele origin: germline.

GeneDx
Classification: Uncertain significance. Last evaluated: 2024-02-28. Review status: criteria provided, single submitter. Criteria: GeneDx Variant Classification Process June 2021. Collection method: clinical testing. Allele origin: germline. Affected: yes.
Comment: In silico analysis supports that this missense variant does not alter protein structure/function; Has not been previously published as pathogenic or benign to our knowledge

NM_021098.3(CACNA1H):c.421G>A (p.Ala141Thr)

Gene: CACNA1H (calcium voltage-gated channel subunit alpha1 H; plus strand). Cytogenetic location: 16p13.3.
Variant type: single nucleotide variant.
Coding change: c.421G>A on transcript NM_021098.3 (MANE Select); coding-DNA position 421, G replaced by A.
Protein change: p.Ala141Thr; replaces alanine 141 with threonine.
Molecular consequence: missense variant.
Genome position (GRCh38, 1-based): chr16:1,195,441, G>A. VCF-style: chr16-1195441-G-A. GRCh37 (hg19) VCF-style: chr16-1245441-G-A.
Other names: c.421G>A, p.Ala141Thr (NM_001005407.2); short protein forms A141T.
Identifiers: ClinVar variation 648729 (VCV000648729.13), dbSNP rs202090928, ClinGen allele CA7799424.